The following is an entry in ClinVar:

ClinVar aggregate classification (germline): Benign. Review status: criteria provided, multiple submitters, no conflicts (2 of 4 stars). 3 submissions from 3 submitters: Benign (3). Last evaluated 2026-02-01.

Allele frequency attached by ClinVar (database versions not stated): 1000 Genomes Project 30x 0.00937; 1000 Genomes Project 0.00998; TOPMed 0.01500; gnomAD 0.01694 and 0.01730; gnomAD exomes 0.01698 and 0.02049; ExAC 0.01701; ESP Exome Variant Server 0.01815.
gnomAD v4.1: 32,425 of 1,612,656 alleles (2%); highest among the groups gnomAD compares: Non-Finnish European, 2.3%; 380 homozygotes.

Submissions (3):

Labcorp Genetics (formerly Invitae), Labcorp
Classification: Benign. Last evaluated: 2026-02-01. Review status: criteria provided, single submitter. Criteria: Invitae Variant Classification Sherloc (09022015). Collection method: clinical testing. Allele origin: germline.

Mayo Clinic Laboratories, Mayo Clinic
Classification: Benign. Last evaluated: 2023-12-15. Review status: criteria provided, single submitter. Criteria: ACMG Guidelines, 2015. Collection method: clinical testing. Allele origin: germline. Observed: 3 variant alleles.
Comment: BS1, BS2

Breakthrough Genomics
Classification: Benign. Review status: criteria provided, single submitter. Criteria: ACMG Guidelines, 2015. Collection method: not provided. Allele origin: germline. Inheritance: Autosomal recessive inheritance. Affected: yes.

NM_005560.6(LAMA5):c.9591C>T (p.Ala3197=)

Gene: LAMA5 (laminin subunit alpha 5; minus strand). Cytogenetic location: 20q13.33.
Variant type: single nucleotide variant.
Coding change: c.9591C>T on transcript NM_005560.6 (MANE Select); coding-DNA position 9591, C replaced by T.
Protein change: p.Ala3197=; no amino-acid change (alanine 3197 retained).
Molecular consequence: synonymous variant.
Genome position (GRCh38, 1-based): chr20:62,311,964, G>A on the plus strand (C>T on the coding strand, the complement: LAMA5 is on the minus strand). VCF-style: chr20-62311964-G-A. GRCh37 (hg19) VCF-style: chr20-60887020-G-A.
Other names: p.Ala3197=.
Identifiers: ClinVar variation 1600999 (VCV001600999.10), dbSNP rs114698761, ClinGen allele CA9940153.